The following is an entry in ClinVar:

NM_201384.3(PLEC):c.7034G>A (p.Arg2345Gln)

Gene: PLEC (plectin; minus strand). Cytogenetic location: 8q24.3.
Variant type: single nucleotide variant.
Coding change: c.7034G>A on transcript NM_201384.3 (MANE Select); coding-DNA position 7034, G replaced by A.
Protein change: p.Arg2345Gln; replaces arginine 2345 with glutamine.
Molecular consequence: missense variant.
Genome position (GRCh38, 1-based): chr8:143,922,895, C>T on the plus strand (G>A on the coding strand, the complement: PLEC is on the minus strand). VCF-style: chr8-143922895-C-T. GRCh37 (hg19) VCF-style: chr8-144997063-C-T.
Other names: c.7115G>A, p.Arg2372Gln (NM_000445.5); c.6992G>A, p.Arg2331Gln (NM_201378.4); c.6968G>A, p.Arg2323Gln (NM_201379.3); c.7445G>A, p.Arg2482Gln (NM_201380.4); c.6938G>A, p.Arg2313Gln (NM_201381.3); c.7034G>A, p.Arg2345Gln (NM_201382.4); c.7046G>A, p.Arg2349Gln (NM_201383.3); short protein forms R2313Q, R2323Q, R2331Q, R2345Q, R2349Q, R2372Q, R2482Q.
Identifiers: ClinVar variation 436327 (VCV000436327.16), dbSNP rs541098488, ClinGen allele CA4925774.
Genomic context (GRCh38, chr8:143,922,895, plus strand): 5'-TGGAAGCCCTGCGTCTCCTCCGCCAGCTGCTGCGCCATCTGCTCCTTGTCCTCCTGCAGC[C>T]GCCGCGCCTGCTCCTGCGCAAGCTCCTTCTGCTGCTGCAGCAGTTCCGCCTCAGCCTTGA-3'
Protein context (NP_958786.1, residues 2335-2355): QKELAQEQAR[Arg2345Gln]LQEDKEQMAQ

ClinVar aggregate classification (germline): Conflicting classifications of pathogenicity. Review status: criteria provided, conflicting classifications (1 of 4 stars). 4 submissions from 4 submitters: Uncertain significance (3); Likely benign (1). Last evaluated 2025-10-21.

Conditions:
Epidermolysis bullosa simplex, Ogna type (EBS5A). Also called: Pidermolysis bullosa simplex 5A, Ogna type; EPIDERMOLYSIS BULLOSA SIMPLEX 5A, OGNA TYPE. Identifiers: Orphanet 79401, MedGen C0432317, MONDO:0007555, OMIM 131950.
Epidermolysis bullosa simplex with nail dystrophy (EBS5D). Identifiers: MedGen C4225309, MONDO:0014661, OMIM 616487.
Autosomal recessive limb-girdle muscular dystrophy type 2Q (LGMDR17). Also called: MUSCULAR DYSTROPHY, LIMB-GIRDLE, AUTOSOMAL RECESSIVE 17. Identifiers: Orphanet 254361, MedGen C3150989, MONDO:0013390, OMIM 613723.
Epidermolysis bullosa simplex 5C, with pyloric atresia (EBS5C). Also called: PLEC-Related Epidermolysis Bullosa with Pyloric Atresia; PLEC1-Related Epidermolysis Bullosa with Pyloric Atresia; Epidermolysis bullosa simplex with pyloric atresia. Identifiers: Orphanet 158684, MedGen C2677349, MONDO:0012807, OMIM 612138.
Epidermolysis bullosa simplex 5B, with muscular dystrophy (EBS5B). Also called: EPIDERMOLYSIS BULLOSA SIMPLEX AND LIMB-GIRDLE MUSCULAR DYSTROPHY; Epidermolysis bullosa simplex with muscular dystrophy. Identifiers: Orphanet 257, MedGen C2931072, MONDO:0009181, OMIM 226670.

Allele frequency attached by ClinVar (database versions not stated): gnomAD exomes 0.00003 and 0.00005; ExAC 0.00005; gnomAD 0.00006 and 0.00007; TOPMed 0.00006; 1000 Genomes Project 30x 0.00016; 1000 Genomes Project 0.00020.
gnomAD v4.1: 77 of 1,585,908 alleles (0.0049%); highest among the groups gnomAD compares: Admixed American, 0.011%; 1 homozygote.

Submissions (4):

Labcorp Genetics (formerly Invitae), Labcorp
Classification: Uncertain significance for Autosomal recessive limb-girdle muscular dystrophy type 2Q; Epidermolysis bullosa simplex, Ogna type; Epidermolysis bullosa simplex with nail dystrophy; Epidermolysis bullosa simplex 5C, with pyloric atresia; Epidermolysis bullosa simplex 5B, with muscular dystrophy. Last evaluated: 2025-10-21. Review status: criteria provided, single submitter. Criteria: Invitae Variant Classification Sherloc (09022015). Collection method: clinical testing. Allele origin: germline.
Comment: This sequence change replaces arginine, which is basic and polar, with glutamine, which is neutral and polar, at codon 2372 of the PLEC protein (p.Arg2372Gln). This variant is present in population databases (rs541098488, gnomAD 0.006%). This variant has not been reported in the literature in individuals affected with PLEC-related conditions. ClinVar contains an entry for this variant (Variation ID: 436327). An algorithm developed to predict the effect of missense changes on protein structure and function outputs the following: PolyPhen-2: "Benign". The glutamine amino acid residue is found in multiple mammalian species, which suggests that this missense change does not adversely affect protein function. In summary, the available evidence is currently insufficient to determine the role of this variant in disease. Therefore, it has been classified as a Variant of Uncertain Significance.

Blueprint Genetics
Classification: Likely benign. Last evaluated: 2024-11-25. Review status: criteria provided, single submitter. Criteria: ACMG Guidelines, 2015. Collection method: clinical testing. Allele origin: germline.

Revvity Omics, Revvity
Classification: Uncertain significance. Last evaluated: 2019-11-18. Review status: criteria provided, single submitter. Criteria: ACMG Guidelines, 2015. Collection method: clinical testing. Allele origin: germline.

Genetic Services Laboratory, University of Chicago
Classification: Uncertain significance. Last evaluated: 2017-05-03. Review status: criteria provided, single submitter. Criteria: ACMG Guidelines, 2015. Collection method: clinical testing. Allele origin: germline. Affected: no.